The following is an entry in ClinVar:

ClinVar aggregate classification (germline): Pathogenic (1 of 4 stars; one submission).

Conditions:
Fabry disease. Also called: Fabry's disease; ALPHA-GALACTOSIDASE A DEFICIENCY; ANDERSON-FABRY DISEASE; CERAMIDE TRIHEXOSIDASE DEFICIENCY; GLA DEFICIENCY; HEREDITARY DYSTOPIC LIPIDOSIS. Identifiers: Orphanet 324, MedGen C0002986, MONDO:0010526, OMIM 301500, HP:0001071. Disease mechanism: Fabry disease is due to inactivating mutations in the X-linked GLA gene resulting in deficiency of the enzyme Alpha Galactosidase-A., loss of function.

Submission:

Genomenon, Inc
Classification: Pathogenic for Fabry disease. Last evaluated: 2026-09-08. Review status: criteria provided, single submitter. Criteria: Genomenon Sequence Variant Interpretation Standards - Updated. Collection method: curation. Allele origin: germline. Affected: yes.
Comment: GLA p.Asn122IlefsTer8 (c.365del) is a frameshift variant that is predicted to introduce a premature termination codon and result in a truncated or absent protein product. This variant has been observed in at least one proband with clinical features consistent with Fabry disease (PMID:39980015;28728877). It is absent or not present at a significant frequency in gnomAD. In conclusion, we classify GLA p.Asn122IlefsTer8 (c.365del) as a pathogenic variant.

Literature cited by the submitters: PubMed 39980015; PubMed 28728877.

NM_000169.3(GLA):c.365del (p.Asn122fs)

Genes: GLA (galactosidase alpha; minus strand), RPL36A-HNRNPH2 (RPL36A-HNRNPH2 readthrough; plus strand). Cytogenetic location: Xq22.1.
Variant type: Deletion.
Coding change: c.365del on transcript NM_000169.3 (MANE Select); coding-DNA position 365, one base deleted (A; older notation c.365delA).
Protein change: p.Asn122fs; shifts the reading frame from asparagine 122.
Molecular consequence: frameshift variant. On other transcripts: non-coding transcript variant (3), intron variant (2).
Genome position (GRCh38, 1-based): chrX:101,403,815, T deleted on the plus strand (A on the coding strand, the reverse complement: GLA is on the minus strand); the first of 2 consecutive T bases (chrX:101,403,815-101,403,816); deleting either gives the same sequence. VCF-style (leftmost placement, unchanged base first): chrX-101403814-AT-A. GRCh37 (hg19) VCF-style: chrX-100658802-AT-A.
Other names: c.488del, p.Asn163fs (NM_001406747.1, NM_001406749.1); c.365del, p.Asn122fs (NM_001406748.1); c.301-8120del (NM_001199973.2); c.178-8120del (NM_001199974.2); short protein forms N122fs, N163fs.
Identifiers: ClinVar variation 4974885 (VCV004974885.1).